The following is an entry in ClinVar:

ClinVar aggregate classification (germline): Uncertain significance (1 of 4 stars; one submission).

Allele frequency attached by ClinVar (database versions not stated): TOPMed below 0.00001; gnomAD 0.00001 and 0.00002; gnomAD exomes 0.00001; ExAC 0.00002.
gnomAD v4.1: 16 of 1,613,834 alleles (0.00099%); highest among the groups gnomAD compares: East Asian, 0.0022%; no homozygotes.

Submission:

Labcorp Genetics (formerly Invitae), Labcorp
Classification: Uncertain significance. Last evaluated: 2021-10-09. Review status: criteria provided, single submitter. Criteria: Invitae Variant Classification Sherloc (09022015). Collection method: clinical testing. Allele origin: germline.
Comment: In summary, the available evidence is currently insufficient to determine the role of this variant in disease. Therefore, it has been classified as a Variant of Uncertain Significance. Algorithms developed to predict the effect of missense changes on protein structure and function output the following: SIFT: "Tolerated"; PolyPhen-2: "Benign"; Align-GVGD: "Class C0". The isoleucine amino acid residue is found in multiple mammalian species, which suggests that this missense change does not adversely affect protein function. This variant has not been reported in the literature in individuals affected with GPR179-related conditions. This variant is present in population databases (rs767311567, ExAC 0.003%). This sequence change replaces threonine with isoleucine at codon 2018 of the GPR179 protein (p.Thr2018Ile). The threonine residue is weakly conserved and there is a moderate physicochemical difference between threonine and isoleucine.

NM_001004334.4(GPR179):c.6053C>T (p.Thr2018Ile)

Gene: GPR179 (G protein-coupled receptor 179; minus strand). Cytogenetic location: 17q12.
Variant type: single nucleotide variant.
Coding change: c.6053C>T on transcript NM_001004334.4 (MANE Select); coding-DNA position 6053, C replaced by T.
Protein change: p.Thr2018Ile; replaces threonine 2018 with isoleucine.
Molecular consequence: missense variant.
Genome position (GRCh38, 1-based): chr17:38,327,516, G>A on the plus strand (C>T on the coding strand, the complement: GPR179 is on the minus strand). VCF-style: chr17-38327516-G-A. GRCh37 (hg19) VCF-style: chr17-36483399-G-A.
Other names: short protein forms T2018I.
Identifiers: ClinVar variation 1465675 (VCV001465675.6), dbSNP rs767311567, ClinGen allele CA290103153.